The following is an entry in ClinVar:

ClinVar aggregate classification (germline): Uncertain significance. Review status: criteria provided, multiple submitters, no conflicts (2 of 4 stars). 3 submissions from 3 submitters: Uncertain significance (3). Last evaluated 2026-01-12.

Conditions:
Autosomal dominant nonsyndromic hearing loss 65. Also called: Deafness, autosomal dominant 65; TBC1D24-Related Autosomal Dominant Nonsyndromic Hearing Loss (DFNA). Identifiers: Orphanet 90635, MedGen C3892048, MONDO:0014470, OMIM 616044.
Developmental and epileptic encephalopathy, 1 (DEE1). Also called: X-linked infantile spasms; West's syndrome; Tonic spasms with clustering, arrest of psychomotor development and hypsarrhythmia on EEG; X-Linked Infantile Spasm Syndrome; Epileptic encephalopathy, early infantile, 1; OHTAHARA SYNDROME, X-LINKED. Identifiers: MedGen C3463992, MONDO:0010632, OMIM 308350. Disease mechanism: loss of function.
Inborn genetic diseases. Identifiers: MedGen C0950123, MeSH D030342.

Allele frequency attached by ClinVar (database versions not stated): TOPMed 0.00002; ExAC 0.00003.
gnomAD v4.1: 19 of 1,608,712 alleles (0.0012%); highest among the groups gnomAD compares: East Asian, 0.022%; no homozygotes.

Submissions (3):

Labcorp Genetics (formerly Invitae), Labcorp
Classification: Uncertain significance for Developmental and epileptic encephalopathy, 1; Autosomal dominant nonsyndromic hearing loss 65. Last evaluated: 2026-01-12. Review status: criteria provided, single submitter. Criteria: Invitae Variant Classification Sherloc (09022015). Collection method: clinical testing. Allele origin: germline.
Comment: This sequence change replaces aspartic acid, which is acidic and polar, with asparagine, which is neutral and polar, at codon 127 of the TBC1D24 protein (p.Asp127Asn). This variant is present in population databases (rs750962753, gnomAD 0.04%). This variant has not been reported in the literature in individuals affected with TBC1D24-related conditions. ClinVar contains an entry for this variant (Variation ID: 207498). Invitae Evidence Modeling of protein sequence and biophysical properties (such as structural, functional, and spatial information, amino acid conservation, physicochemical variation, residue mobility, and thermodynamic stability) has been performed for this missense variant. However, the output from this modeling did not meet the statistical confidence thresholds required to predict the impact of this variant on TBC1D24 protein function. In summary, the available evidence is currently insufficient to determine the role of this variant in disease. Therefore, it has been classified as a Variant of Uncertain Significance.

Ambry Genetics
Classification: Uncertain significance for Inborn genetic diseases. Last evaluated: 2025-04-28. Review status: criteria provided, single submitter. Criteria: Ambry Variant Classification Scheme 2023. Collection method: clinical testing. Allele origin: germline.

GeneDx
Classification: Uncertain significance. Last evaluated: 2020-01-06. Review status: criteria provided, single submitter. Criteria: GeneDx Variant Classification Process June 2021. Collection method: clinical testing. Allele origin: germline. Affected: yes.
Comment: In silico analysis, which includes protein predictors and evolutionary conservation, supports a deleterious effect; Has not been previously published as pathogenic or benign to our knowledge

NM_001199107.2(TBC1D24):c.379G>A (p.Asp127Asn)

Gene: TBC1D24 (TBC1 domain family member 24; plus strand). Cytogenetic location: 16p13.3.
Variant type: single nucleotide variant.
Coding change: c.379G>A on transcript NM_001199107.2 (MANE Select); coding-DNA position 379, G replaced by A.
Protein change: p.Asp127Asn; replaces aspartic acid 127 with asparagine.
Molecular consequence: missense variant.
Genome position (GRCh38, 1-based): chr16:2,496,527, G>A. VCF-style: chr16-2496527-G-A. GRCh37 (hg19) VCF-style: chr16-2546528-G-A.
Other names: p.D127N:GAC>AAC; c.379G>A, p.Asp127Asn (NM_020705.3); short protein forms D127N.
Identifiers: ClinVar variation 207498 (VCV000207498.12), dbSNP rs750962753, ClinGen allele CA319020.